The following is an entry in ClinVar:

NC_000014.8:g.(?_105167683)_(105185180_?)dup

Genes: INF2 (inverted formin 2; plus strand), LOC130056630 (ATAC-STARR-seq lymphoblastoid silent region 6194; plus strand). Cytogenetic location: 14q32.33.
Variant type: Duplication.
Identifiers: ClinVar variation 648519 (VCV000648519.2).

ClinVar aggregate classification (germline): Uncertain significance (1 of 4 stars; one submission).

Conditions:
Charcot-Marie-Tooth disease dominant intermediate E. Also called: CHARCOT-MARIE-TOOTH NEUROPATHY WITH FOCAL SEGMENTAL GLOMERULONEPHRITIS. Identifiers: Orphanet 93114, MedGen C4302667, MONDO:0013758, OMIM 614455.
Focal segmental glomerulosclerosis 5 (FSGS5). Identifiers: Orphanet 656, MedGen C2750475, MONDO:0013191, OMIM 613237.

Submission:

Labcorp Genetics (formerly Invitae), Labcorp
Classification: Uncertain significance for Charcot-Marie-Tooth disease, dominant intermediate E; Focal segmental glomerulosclerosis 5. Last evaluated: 2018-07-16. Review status: criteria provided, single submitter. Criteria: Invitae Variant Classification Sherloc (09022015). Collection method: clinical testing. Allele origin: germline.
Comment: This variant results in a copy number gain of the genomic region encompassing the full coding sequence of the INF2 gene. The boundaries of this event are unknown as they extend beyond the assayed region for this gene and therefore may encompass additional genes. As the precise location of this event is unknown, it may be in tandem or it may be located elsewhere in the genome. This variant has not been reported in the literature in individuals with INF2-related disease. Experimental studies are not available for this variant, and the functional significance of a copy number gain of this gene is currently unknown. In summary, the available evidence is currently insufficient to determine the role of this variant in disease. Therefore, it has been classified as a Variant of Uncertain Significance.